The following is an entry in ClinVar:

NM_173076.3(ABCA12):c.6648G>T (p.Arg2216Ser)

Genes: ABCA12 (ATP binding cassette subfamily A member 12; minus strand), SNHG31 (small nucleolar RNA host gene 31; plus strand). Cytogenetic location: 2q35.
Variant type: single nucleotide variant.
Coding change: c.6648G>T on transcript NM_173076.3 (MANE Select); coding-DNA position 6648, G replaced by T.
Protein change: p.Arg2216Ser; replaces arginine 2216 with serine.
Molecular consequence: missense variant. On other transcripts: non-coding transcript variant (1).
Genome position (GRCh38, 1-based): chr2:214,951,083, C>A on the plus strand (G>T on the coding strand, the complement: ABCA12 is on the minus strand). VCF-style: chr2-214951083-C-A. GRCh37 (hg19) VCF-style: chr2-215815807-C-A.
Other names: c.5694G>T, p.Arg1898Ser (NM_015657.4); short protein forms R2216S, R1898S.
Identifiers: ClinVar variation 262832 (VCV000262832.17), dbSNP rs145031776, ClinGen allele CA2090851.

ClinVar aggregate classification (germline): Benign. Review status: criteria provided, multiple submitters, no conflicts (2 of 4 stars). 4 submissions from 4 submitters: Benign (4). Last evaluated 2026-02-02.

Conditions:
Congenital ichthyosis of skin. Identifiers: MedGen C0020758.

Allele frequency attached by ClinVar (database versions not stated): gnomAD exomes 0.01207; gnomAD 0.00581 and 0.00597; ExAC 0.00921; TOPMed 0.00965; ESP Exome Variant Server 0.00108; 1000 Genomes Project 0.00879; 1000 Genomes Project 30x 0.00999.
gnomAD v4.1: 4,982 of 1,613,134 alleles (0.31%); highest among the groups gnomAD compares: Admixed American, 7%; 172 homozygotes.

Submissions (7):

Labcorp Genetics (formerly Invitae), Labcorp
Classification: Benign. Last evaluated: 2026-02-02. Review status: criteria provided, single submitter. Criteria: Invitae Variant Classification Sherloc (09022015). Collection method: clinical testing. Allele origin: germline.

Illumina Laboratory Services, Illumina
Classification: Benign for Congenital ichthyosis of skin. Last evaluated: 2018-01-12. Review status: criteria provided, single submitter. Criteria: ICSL Variant Classification Criteria 13 December 2019. Collection method: clinical testing. Allele origin: germline.
Comment: This variant was observed in the ICSL laboratory as part of a predisposition screen in an ostensibly healthy population. It had not been previously curated by ICSL or reported in the Human Gene Mutation Database (HGMD: prior to June 1st, 2018), and was therefore a candidate for classification through an automated scoring system. Utilizing variant allele frequency, disease prevalence and penetrance estimates, and inheritance mode, an automated score was calculated to assess if this variant is too frequent to cause the disease. Based on the score and internal cut-off values, a variant classified as benign is not then subjected to further curation. The score for this variant resulted in a classification of benign for this disease.

Breakthrough Genomics
Classification: Benign. Review status: criteria provided, single submitter. Criteria: ACMG Guidelines, 2015. Collection method: not provided. Allele origin: germline. Inheritance: Autosomal recessive inheritance. Affected: yes.

PreventionGenetics, part of Exact Sciences
Classification: Benign. Review status: criteria provided, single submitter. Criteria: ACMG Guidelines, 2015. Collection method: clinical testing. Allele origin: germline.

Dr. Peter K. Rogan Lab, Western University
No classification provided (evidence only). Condition: Thyroid cancer, nonmedullary, 1. Review status: no classification provided. Collection method: in vitro. Allele origin: not applicable. Functional consequence: retained intron. Not counted in ClinVar's aggregate classification.

Dr. Peter K. Rogan Lab, Western University
No classification provided (evidence only). Condition: Thyroid cancer, nonmedullary, 1. Review status: no classification provided. Collection method: in vitro. Allele origin: not applicable. Functional consequence: retained intron. Not counted in ClinVar's aggregate classification.

Dr. Peter K. Rogan Lab, Western University
No classification provided (evidence only). Condition: Familial pancreatic carcinoma. Review status: no classification provided. Collection method: in vitro. Allele origin: not applicable. Functional consequence: retained intron. Not counted in ClinVar's aggregate classification.